The following is an entry in ClinVar:

NM_001079802.2(FKTN):c.67T>C (p.Phe23Leu)

Gene: FKTN (fukutin; plus strand). Cytogenetic location: 9q31.2.
Variant type: single nucleotide variant.
Coding change: c.67T>C on transcript NM_001079802.2 (MANE Select); coding-DNA position 67, T replaced by C.
Protein change: p.Phe23Leu; replaces phenylalanine 23 with leucine.
Molecular consequence: missense variant. On other transcripts: 5 prime UTR variant (5), non-coding transcript variant (2).
Genome position (GRCh38, 1-based): chr9:105,575,099, T>C. VCF-style: chr9-105575099-T-C. GRCh37 (hg19) VCF-style: chr9-108337380-T-C.
Other names: c.67T>C, p.Phe23Leu (NM_001198963.2, NM_001351496.2, NM_001351498.2 and 1 more transcripts); c.-101T>C (NM_001351497.2); c.-448T>C (NM_001351499.2, NM_001351500.2, NM_001351501.2 and 1 more transcripts); short protein forms F23L.
Identifiers: ClinVar variation 1418803 (VCV001418803.6), dbSNP rs2132017664, ClinGen allele CA374330913.

ClinVar aggregate classification (germline): Uncertain significance (1 of 4 stars; one submission).

Conditions:
Walker-Warburg congenital muscular dystrophy. Also called: Muscular dystrophy-dystroglycanopathy, type A; Walker-Warburg syndrome. Identifiers: Orphanet 899, MedGen C0265221, MONDO:0000171.

Allele frequency attached by ClinVar (database versions not stated): gnomAD exomes below 0.00001.

Submission:

Labcorp Genetics (formerly Invitae), Labcorp
Classification: Uncertain significance for Walker-Warburg congenital muscular dystrophy. Last evaluated: 2021-12-03. Review status: criteria provided, single submitter. Criteria: Invitae Variant Classification Sherloc (09022015). Collection method: clinical testing. Allele origin: germline.
Comment: This sequence change replaces phenylalanine, which is neutral and non-polar, with leucine, which is neutral and non-polar, at codon 23 of the FKTN protein (p.Phe23Leu). This variant is not present in population databases (gnomAD no frequency). This variant has not been reported in the literature in individuals affected with FKTN-related conditions. Algorithms developed to predict the effect of missense changes on protein structure and function are either unavailable or do not agree on the potential impact of this missense change (SIFT: "Tolerated"; PolyPhen-2: "Probably Damaging"; Align-GVGD: "Class C0"). In summary, the available evidence is currently insufficient to determine the role of this variant in disease. Therefore, it has been classified as a Variant of Uncertain Significance.